The following is an entry in ClinVar:

NM_004035.7(ACOX1):c.*2771A>C

Gene: ACOX1 (acyl-CoA oxidase 1; minus strand). Cytogenetic location: 17q25.1.
Variant type: single nucleotide variant.
Coding change: c.*2771A>C on transcript NM_004035.7 (MANE Select); 2771 bases downstream of the stop codon, A replaced by C.
Molecular consequence: 3 prime UTR variant.
Genome position (GRCh38, 1-based): chr17:75,943,977, T>G on the plus strand (A>C on the coding strand, the complement: ACOX1 is on the minus strand). VCF-style: chr17-75943977-T-G. GRCh37 (hg19) VCF-style: chr17-73940058-T-G.
Other names: c.*2771A>C (NM_001185039.2, NM_007292.6).
Identifiers: ClinVar variation 325329 (VCV000325329.6), dbSNP rs9915973, ClinGen allele CA10640638.

ClinVar aggregate classification (germline): Benign. Review status: criteria provided, multiple submitters, no conflicts (2 of 4 stars). 2 submissions from 2 submitters: Benign (2). Last evaluated 2018-01-13.

Conditions:
Acyl-CoA oxidase deficiency. Also called: STRAIGHT-CHAIN ACYL-CoA OXIDASE DEFICIENCY; Pseudoneonatal adrenoleukodystrophy; Peroxisomal acyl-CoA oxidase deficiency. Identifiers: Orphanet 2971, MedGen C1849678, MONDO:0009919, OMIM 264470. Disease mechanism: loss of function.

Allele frequency attached by ClinVar (database versions not stated): gnomAD 0.06390 and 0.06790; 1000 Genomes Project 0.07149; TOPMed 0.07204; 1000 Genomes Project 30x 0.07636.

Submissions (2):

Illumina Laboratory Services, Illumina
Classification: Benign for Acyl-CoA oxidase deficiency. Last evaluated: 2018-01-13. Review status: criteria provided, single submitter. Criteria: ICSL Variant Classification Criteria 13 December 2019. Collection method: clinical testing. Allele origin: germline.
Comment: This variant was observed in the ICSL laboratory as part of a predisposition screen in an ostensibly healthy population. It had not been previously curated by ICSL or reported in the Human Gene Mutation Database (HGMD: prior to June 1st, 2018), and was therefore a candidate for classification through an automated scoring system. Utilizing variant allele frequency, disease prevalence and penetrance estimates, and inheritance mode, an automated score was calculated to assess if this variant is too frequent to cause the disease. Based on the score and internal cut-off values, a variant classified as benign is not then subjected to further curation. The score for this variant resulted in a classification of benign for this disease.

Breakthrough Genomics
Classification: Benign. Review status: criteria provided, single submitter. Criteria: ACMG Guidelines, 2015. Collection method: not provided. Allele origin: germline. Inheritance: Autosomal recessive inheritance. Affected: yes.